The following is an entry in ClinVar:

ClinVar aggregate classification (germline): Uncertain significance (1 of 4 stars; one submission).

Conditions:
Bardet-Biedl syndrome (BBS). Identifiers: Orphanet 110, MedGen C0752166, MONDO:0015229.

Allele frequency attached by ClinVar (database versions not stated): gnomAD exomes below 0.00001; TOPMed below 0.00001; ExAC 0.00001.
gnomAD v4.1: 1 of 1,614,200 alleles (0.000062%); highest among the groups gnomAD compares: South Asian, 0.0011%; no homozygotes.

Submission:

Labcorp Genetics (formerly Invitae), Labcorp
Classification: Uncertain significance for Bardet-Biedl syndrome. Last evaluated: 2022-05-31. Review status: criteria provided, single submitter. Criteria: Invitae Variant Classification Sherloc (09022015). Collection method: clinical testing. Allele origin: germline.
Comment: This variant has not been reported in the literature in individuals affected with TRIM32-related conditions. This variant is present in population databases (rs775116209, gnomAD 0.003%). This sequence change replaces tyrosine, which is neutral and polar, with cysteine, which is neutral and slightly polar, at codon 528 of the TRIM32 protein (p.Tyr528Cys). Algorithms developed to predict the effect of missense changes on protein structure and function (SIFT, PolyPhen-2, Align-GVGD) all suggest that this variant is likely to be disruptive. In summary, the available evidence is currently insufficient to determine the role of this variant in disease. Therefore, it has been classified as a Variant of Uncertain Significance.

NM_012210.4(TRIM32):c.1583A>G (p.Tyr528Cys)

Genes: ASTN2 (astrotactin 2; minus strand), TRIM32 (tripartite motif containing 32; plus strand). Cytogenetic location: 9q33.1.
Variant type: single nucleotide variant.
Coding change: c.1583A>G on transcript NM_012210.4 (MANE Select); coding-DNA position 1583, A replaced by G.
Protein change: p.Tyr528Cys; replaces tyrosine 528 with cysteine.
Molecular consequence: missense variant. On other transcripts: intron variant (3).
Genome position (GRCh38, 1-based): chr9:116,699,325, A>G. VCF-style: chr9-116699325-A-G. GRCh37 (hg19) VCF-style: chr9-119461604-A-G.
Other names: c.1583A>G, p.Tyr528Cys (NM_001099679.2, NM_001379048.1, NM_001379049.1 and 1 more transcripts); c.2653+26446T>C (NM_014010.5); c.2794+26446T>C (NM_001365069.1); c.2806+26446T>C (NM_001365068.1); short protein forms Y528C.
Identifiers: ClinVar variation 2139865 (VCV002139865.2), dbSNP rs775116209, ClinGen allele CA5211178.